The following is an entry in ClinVar:

NM_001040716.2(PC):c.3497T>C (p.Met1166Thr)

Gene: PC (pyruvate carboxylase; minus strand). Cytogenetic location: 11q13.2.
Variant type: single nucleotide variant.
Coding change: c.3497T>C on transcript NM_001040716.2 (MANE Select); coding-DNA position 3497, T replaced by C.
Protein change: p.Met1166Thr; replaces methionine 1166 with threonine.
Molecular consequence: missense variant.
Genome position (GRCh38, 1-based): chr11:66,848,939, A>G on the plus strand (T>C on the coding strand, the complement: PC is on the minus strand). VCF-style: chr11-66848939-A-G. GRCh37 (hg19) VCF-style: chr11-66616410-A-G.
Other names: c.3497T>C, p.Met1166Thr (NM_000920.4, NM_022172.3); c.3497T>C (NM_000920.3); short protein forms M1166T.
Identifiers: ClinVar variation 2147510 (VCV002147510.6), dbSNP rs147594996, ClinGen allele CA6130771.

ClinVar aggregate classification (germline): Conflicting classifications of pathogenicity. Review status: criteria provided, conflicting classifications (1 of 4 stars). 3 submissions from 3 submitters: Uncertain significance (2); Likely benign (1). Last evaluated 2025-12-03.

Conditions:
Inborn genetic diseases. Identifiers: MedGen C0950123, MeSH D030342.
Pyruvate carboxylase deficiency. Also called: Pyruvate Carboxylase Deficiency Disease; LEIGH NECROTIZING ENCEPHALOPATHY DUE TO PYRUVATE CARBOXYLASE DEFICIENCY; LEIGH SYNDROME DUE TO PYRUVATE CARBOXYLASE DEFICIENCY; PC DEFICIENCY; ATAXIA WITH LACTIC ACIDOSIS II. Identifiers: Orphanet 3008, MedGen C0034341, MONDO:0009949, OMIM 266150.

Allele frequency attached by ClinVar (database versions not stated): gnomAD 0.00006; gnomAD exomes 0.00004; TOPMed 0.00005; ExAC 0.00007; ESP Exome Variant Server 0.00008.

Submissions (3):

Labcorp Genetics (formerly Invitae), Labcorp
Classification: Likely benign for Pyruvate carboxylase deficiency. Last evaluated: 2025-12-03. Review status: criteria provided, single submitter. Criteria: Invitae Variant Classification Sherloc (09022015). Collection method: clinical testing. Allele origin: germline.

Ambry Genetics
Classification: Uncertain significance for Inborn genetic diseases. Last evaluated: 2025-02-12. Review status: criteria provided, single submitter. Criteria: Ambry Variant Classification Scheme 2023. Collection method: clinical testing. Allele origin: germline.

GeneDx
Classification: Uncertain significance. Last evaluated: 2024-12-20. Review status: criteria provided, single submitter. Criteria: GeneDx Variant Classification Process June 2021. Collection method: clinical testing. Allele origin: germline. Affected: yes.
Comment: In silico analysis indicates that this missense variant does not alter protein structure/function; Has not been previously published as pathogenic or benign to our knowledge